The following is an entry in ClinVar:

NM_006744.4(RBP4):c.111+5G>A

Gene: RBP4 (retinol binding protein 4; minus strand). Cytogenetic location: 10q23.33.
Variant type: single nucleotide variant.
Coding change: c.111+5G>A on transcript NM_006744.4 (MANE Select); 5 bases into the intron after coding-DNA position 111, G replaced by A.
Molecular consequence: intron variant.
Genome position (GRCh38, 1-based): chr10:93,600,913, C>T on the plus strand (G>A on the coding strand, the complement: RBP4 is on the minus strand). VCF-style: chr10-93600913-C-T. GRCh37 (hg19) VCF-style: chr10-95360670-C-T.
Other names: c.105+5G>A (NM_001323518.2); c.111+5G>A (NM_001323517.1).
Identifiers: ClinVar variation 1501368 (VCV001501368.6), dbSNP rs774499228, ClinGen allele CA931296942.

ClinVar aggregate classification (germline): Uncertain significance (1 of 4 stars; one submission).

gnomAD v4.1: 1 of 1,612,232 alleles (0.000062%); highest among the groups gnomAD compares: Non-Finnish European, 0.000085%; no homozygotes.

Submission:

Labcorp Genetics (formerly Invitae), Labcorp
Classification: Uncertain significance. Last evaluated: 2025-12-10. Review status: criteria provided, single submitter. Criteria: Invitae Variant Classification Sherloc (09022015). Collection method: clinical testing. Allele origin: germline.
Comment: This sequence change falls in intron 2 of the RBP4 gene. It does not directly change the encoded amino acid sequence of the RBP4 protein. It affects a nucleotide within the consensus splice site. This variant is not present in population databases (gnomAD no frequency). This variant has not been reported in the literature in individuals affected with RBP4-related conditions. ClinVar contains an entry for this variant (Variation ID: 1501368). Variants that disrupt the consensus splice site are a relatively common cause of aberrant splicing (PMID: 17576681, 9536098). Algorithms developed to predict the effect of sequence changes on RNA splicing suggest that this variant may disrupt the consensus splice site. In summary, the available evidence is currently insufficient to determine the role of this variant in disease. Therefore, it has been classified as a Variant of Uncertain Significance.

Literature cited by the submitters: PubMed 17576681; PubMed 9536098.